The following is an entry in ClinVar:

NM_001267550.2(TTN):c.77365dup (p.Ile25789fs)

Genes: TTN-AS1 (TTN antisense RNA 1; plus strand), TTN (titin; minus strand). Cytogenetic location: 2q31.2.
Variant type: Duplication.
Coding change: c.77365dup on transcript NM_001267550.2 (MANE Select); coding-DNA position 77365, one base duplicated (A; older notation c.77365dupA).
Protein change: p.Ile25789fs; shifts the reading frame from isoleucine 25789.
Molecular consequence: frameshift variant.
Genome position (GRCh38, 1-based): chr2:178,568,767, T duplicated on the plus strand (A on the coding strand, the reverse complement: TTN is on the minus strand); the first of 2 consecutive T bases (chr2:178,568,767-178,568,768); duplicating either gives the same sequence. VCF-style (leftmost placement, unchanged base first): chr2-178568766-A-AT. GRCh37 (hg19) VCF-style: chr2-179433493-A-AT.
Other names: c.77365dupA (NM_001267550.1); c.72442dup, p.Ile24148fs (NM_001256850.1); c.50170dup, p.Ile16724fs (NM_003319.4); c.69661dup, p.Ile23221fs (NM_133378.4); c.50545dup, p.Ile16849fs (NM_133432.3); c.50746dup, p.Ile16916fs (NM_133437.4); short protein forms I16724fs, I16849fs, I16916fs, I23221fs, I24148fs, I25789fs.
Identifiers: ClinVar variation 3376805 (VCV003376805.1).
Genomic context (GRCh38, chr2:178,568,766, plus strand): 5'-ACACTGTAACTACTGAATGCAGGTTTTACATCTGGCTCAATTACCAGATCTTTGGCAACT[A>AT]TTGGAACTGCAAGGGACCGAGGATCACTTCTCCCCTTTTCATTTACAGCAACAACTCTAA-3'

ClinVar aggregate classification (germline): Uncertain significance (1 of 4 stars; one submission).

Conditions:
Dilated cardiomyopathy 1G (CMD1G). Identifiers: Orphanet 154, MedGen C1858763, MONDO:0011400, OMIM 604145.

Submission:

Victorian Clinical Genetics Services, Murdoch Childrens Research Institute
Classification: Uncertain significance for Dilated cardiomyopathy 1G. Last evaluated: 2023-07-17. Review status: criteria provided, single submitter. Criteria: ACMG Guidelines, 2015. Collection method: clinical testing. Allele origin: germline. Inheritance: Autosomal dominant inheritance. Affected: yes.
Comment: Based on the classification scheme VCGS_Germline_v1.3.4, this variant is classified as VUS-3A. Following criteria are met: 0102 - Loss of function is known mechanism of disease in this gene. In addition, dominant-negative is also a suggested mechanism. (PMID: 25589632). (I) 0108 - This gene is associated with both recessive and dominant disease (OMIM). (I) 0112 - The condition associated with this gene has incomplete penetrance. Variants in this gene that result in a premature truncating codon (PTC) are known to have reduced penetrance in DCM (PMID: 25589632). (I) 0201 - Variant is predicted to cause nonsense-mediated decay (NMD) and loss of protein (premature termination codon is located at least 54 nucleotides upstream of the final exon-exon junction). (SP) 0251 - This variant is heterozygous. (I) 0301 - Variant is absent from gnomAD (both v2 and v3). (SP) 0600 - Variant is located in the annotated A-band and the exon has a PSI score of 100 (PMID: 25589632). (I) 0703 - Other NMD-predicted variants comparable to the one identified in this case have moderate previous evidence for pathogenicity (ClinVar). (SP) 0807 - This variant has no previous evidence of pathogenicity. (I) 0905 - No published segregation evidence has been identified for this variant. (I) 1007 - No published functional evidence has been identified for this variant. (I) 1208 - Inheritance information for this variant is not currently available in this individual. (I) Legend: (SP) - Supporting pathogenic, (I) - Information, (SB) - Supporting benign

Literature cited by the submitters: PubMed 25589632.